The following is an entry in ClinVar:

NM_000051.4(ATM):c.8372A>G (p.Tyr2791Cys)

Genes: C11orf65 (chromosome 11 open reading frame 65; minus strand), ATM (ATM serine/threonine kinase; plus strand). Cytogenetic location: 11q22.3.
Variant type: single nucleotide variant.
Coding change: c.8372A>G on transcript NM_000051.4 (MANE Select); coding-DNA position 8372, A replaced by G.
Protein change: p.Tyr2791Cys; replaces tyrosine 2791 with cysteine.
Molecular consequence: missense variant. On other transcripts: intron variant (2).
Genome position (GRCh38, 1-based): chr11:108,343,325, A>G. VCF-style: chr11-108343325-A-G. GRCh37 (hg19) VCF-style: chr11-108214052-A-G.
Other names: c.8372A>G, p.Tyr2791Cys (NM_001351834.2); c.641-34254T>C (NM_001330368.2); c.695-8033T>C (NM_001351110.2); short protein forms Y2791C.
Identifiers: ClinVar variation 653048 (VCV000653048.14), dbSNP rs534914490, ClinGen allele CA228364910.

ClinVar aggregate classification (germline): Uncertain significance. Review status: criteria provided, multiple submitters, no conflicts (2 of 4 stars). 2 submissions from 2 submitters: Uncertain significance (2). Last evaluated 2024-04-26.

Conditions:
Hereditary cancer-predisposing syndrome. Also called: Tumor predisposition; Hereditary neoplastic syndrome; Neoplastic Syndromes, Hereditary; Hereditary Cancer Syndrome. Identifiers: Orphanet 140162, MedGen C0027672, MeSH D009386, MONDO:0015356.
Ataxia-telangiectasia syndrome (AT). Also called: Ataxia-telangiectasia, complementation group D; AT, COMPLEMENTATION GROUP C; ATAXIA-TELANGIECTASIA, COMPLEMENTATION GROUP A; ATAXIA-TELANGIECTASIA, FRESNO VARIANT; Ataxia-telangiectasia; LOUIS-BAR SYNDROME. Identifiers: Orphanet 100, MedGen C0004135, MONDO:0008840, OMIM 208900.

Submissions (2):

Ambry Genetics
Classification: Uncertain significance for Hereditary cancer-predisposing syndrome. Last evaluated: 2024-04-26. Review status: criteria provided, single submitter. Criteria: Ambry Variant Classification Scheme 2023. Collection method: clinical testing. Allele origin: germline.
Comment: The p.Y2791C variant (also known as c.8372A>G), located in coding exon 56 of the ATM gene, results from an A to G substitution at nucleotide position 8372. The tyrosine at codon 2791 is replaced by cysteine, an amino acid with highly dissimilar properties. This amino acid position is conserved. In addition, this alteration is predicted to be deleterious by in silico analysis. Since supporting evidence is limited at this time, the clinical significance of this alteration remains unclear.

Labcorp Genetics (formerly Invitae), Labcorp
Classification: Uncertain significance for Ataxia-telangiectasia syndrome. Last evaluated: 2021-07-14. Review status: criteria provided, single submitter. Criteria: Invitae Variant Classification Sherloc (09022015). Collection method: clinical testing. Allele origin: germline.
Comment: This variant has not been reported in the literature in individuals with ATM-related conditions. ClinVar contains an entry for this variant (Variation ID: 653048). In summary, the available evidence is currently insufficient to determine the role of this variant in disease. Therefore, it has been classified as a Variant of Uncertain Significance. Algorithms developed to predict the effect of missense changes on protein structure and function (SIFT, PolyPhen-2, Align-GVGD) all suggest that this variant is likely to be disruptive, but these predictions have not been confirmed by published functional studies and their clinical significance is uncertain. This variant is not present in population databases (ExAC no frequency). This sequence change replaces tyrosine with cysteine at codon 2791 of the ATM protein (p.Tyr2791Cys). The tyrosine residue is highly conserved and there is a large physicochemical difference between tyrosine and cysteine.